The following is an entry in ClinVar:

ClinVar aggregate classification (germline): Likely benign. Review status: criteria provided, multiple submitters, no conflicts (2 of 4 stars). 4 submissions from 4 submitters: Likely benign (2). 2 of the submissions do not count toward it. Last evaluated 2026-01-28.

Conditions:
AIRE-related disorder. Also called: AIRE-related condition.
Polyglandular autoimmune syndrome, type 1 (APS1). Also called: AUTOIMMUNE POLYENDOCRINE SYNDROME, TYPE I, WITH OR WITHOUT REVERSIBLE METAPHYSEAL DYSPLASIA; APS I; Whitaker syndrome; HYPOADRENOCORTICISM WITH HYPOPARATHYROIDISM AND SUPERFICIAL MONILIASIS; Autoimmune polyendocrinopathy syndrome, type I; PGA I. Identifiers: Orphanet 3453, MedGen C0085859, MONDO:0009411, OMIM 240300.

Allele frequency attached by ClinVar (database versions not stated): gnomAD 0.00003; ExAC 0.00004; gnomAD exomes 0.00004 and 0.00010; TOPMed 0.00006.
gnomAD v4.1: 152 of 1,596,080 alleles (0.0095%); highest among the groups gnomAD compares: Non-Finnish European, 0.013%; no homozygotes.

Submissions (4):

Labcorp Genetics (formerly Invitae), Labcorp
Classification: Likely benign for Polyglandular autoimmune syndrome, type 1. Last evaluated: 2026-01-28. Review status: criteria provided, single submitter. Criteria: Invitae Variant Classification Sherloc (09022015). Collection method: clinical testing. Allele origin: germline.

Blueprint Genetics
Classification: Likely benign. Last evaluated: 2024-09-18. Review status: criteria provided, single submitter. Criteria: ACMG Guidelines, 2015. Collection method: clinical testing. Allele origin: germline.

Natera, Inc.
Classification: Uncertain significance for Polyglandular autoimmune syndrome type 1. Last evaluated: 2020-01-17. Review status: no assertion criteria provided. Collection method: clinical testing. Allele origin: germline. Not counted in ClinVar's aggregate classification.

PreventionGenetics, part of Exact Sciences
Classification: Likely benign for AIRE-related condition. Last evaluated: 2019-04-09. Review status: no assertion criteria provided. Collection method: clinical testing. Allele origin: germline. Not counted in ClinVar's aggregate classification.
Comment: This variant is classified as likely benign based on ACMG/AMP sequence variant interpretation guidelines (Richards et al. 2015 PMID: 25741868, with internal and published modifications).

NM_000383.4(AIRE):c.1400+7G>C

Gene: AIRE (autoimmune regulator; plus strand). Cytogenetic location: 21q22.3.
Variant type: single nucleotide variant.
Coding change: c.1400+7G>C on transcript NM_000383.4 (MANE Select); 7 bases into the intron after coding-DNA position 1400, G replaced by C.
Molecular consequence: intron variant.
Genome position (GRCh38, 1-based): chr21:44,293,917, G>C. VCF-style: chr21-44293917-G-C. GRCh37 (hg19) VCF-style: chr21-45713800-G-C.
Identifiers: ClinVar variation 723107 (VCV000723107.14), dbSNP rs781592443, ClinGen allele CA10052091.
Genomic context (GRCh38, chr21:44,293,917, plus strand): 5'-CGCCGCTGCCTTCCACTGGCGCTGCCACTTCCCAGCCGGCACCTCCCGGCCCGGGTGAGT[G>C]AGCGTGGTCGGCGGGGAGGCCTGAACCCACACCCACACCCTACACCCCACCCCACACTCC-3'